The following is an entry in ClinVar:

ClinVar aggregate classification (germline): Benign/Likely benign. Review status: criteria provided, multiple submitters, no conflicts (2 of 4 stars). 4 submissions from 4 submitters: Benign (1); Likely benign (3). Last evaluated 2026-04-01.

Conditions:
Spastic ataxia 2. Also called: Ataxia, spastic, 2, autosomal recessive. Identifiers: Orphanet 397946, MedGen C1969796, MONDO:0012651, OMIM 611302.
Hereditary spastic paraplegia. Also called: Familial spastic paraparesis. Identifiers: Orphanet 685, MedGen C0037773, MONDO:0019064. Disease mechanism: loss of function.

Allele frequency attached by ClinVar (database versions not stated): gnomAD exomes 0.00056 and 0.00116; gnomAD 0.00117 and 0.00126; ExAC 0.00136; ESP Exome Variant Server 0.00138; TOPMed 0.00155; 1000 Genomes Project 0.00280; 1000 Genomes Project 30x 0.00281.
gnomAD v4.1: 1,025 of 1,614,038 alleles (0.064%); highest among the groups gnomAD compares: South Asian, 0.64%; 12 homozygotes.

Submissions (4):

CeGaT Center for Human Genetics Tuebingen
Classification: Likely benign. Last evaluated: 2026-04-01. Review status: criteria provided, single submitter. Criteria: CeGaT Center For Human Genetics Tuebingen Variant Classification Criteria Version 2. Collection method: clinical testing. Allele origin: germline. Affected: yes. Observed: 2 variant alleles.
Comment: KIF1C: BP4, BP7

Labcorp Genetics (formerly Invitae), Labcorp
Classification: Benign for Spastic ataxia 2. Last evaluated: 2025-11-25. Review status: criteria provided, single submitter. Criteria: Invitae Variant Classification Sherloc (09022015). Collection method: clinical testing. Allele origin: germline.

Genome Diagnostics Laboratory, The Hospital for Sick Children
Classification: Likely benign for Hereditary spastic paraplegia. Last evaluated: 2020-12-29. Review status: criteria provided, single submitter. Criteria: ACMG Guidelines, 2015. Collection method: clinical testing. Allele origin: germline. Affected: yes.

GeneDx
Classification: Likely benign. Last evaluated: 2019-03-28. Review status: criteria provided, single submitter. Criteria: GeneDx Variant Classification Process June 2021. Collection method: clinical testing. Allele origin: germline. Affected: yes.

NM_006612.6(KIF1C):c.885G>A (p.Ser295=)

Genes: KIF1C (kinesin family member 1C; plus strand), LOC126862472 (CDK7 strongly-dependent group 2 enhancer GRCh37_chr17:4906716-4907915; plus strand). Cytogenetic location: 17p13.2.
Variant type: single nucleotide variant.
Coding change: c.885G>A on transcript NM_006612.6 (MANE Select); coding-DNA position 885, G replaced by A.
Protein change: p.Ser295=; no amino-acid change (serine 295 retained).
Molecular consequence: synonymous variant.
Genome position (GRCh38, 1-based): chr17:5,004,018, G>A. VCF-style: chr17-5004018-G-A. GRCh37 (hg19) VCF-style: chr17-4907313-G-A.
Identifiers: ClinVar variation 705424 (VCV000705424.18), dbSNP rs148489739, ClinGen allele CA8318776.